The following is an entry in ClinVar:

NM_000203.5(IDUA):c.385+1G>A

Gene: IDUA (alpha-L-iduronidase; plus strand). Cytogenetic location: 4p16.3.
Variant type: single nucleotide variant.
Coding change: c.385+1G>A on transcript NM_000203.5 (MANE Select); the canonical splice donor site of the intron after coding-DNA position 385, G replaced by A.
Molecular consequence: splice donor variant.
Genome position (GRCh38, 1-based): chr4:1,000,698, G>A. VCF-style: chr4-1000698-G-A. GRCh37 (hg19) VCF-style: chr4-994486-G-A.
Other names: NM_001363576.1:c.-12+1G>A; c.-12+1G>A (NM_001363576.1).
Identifiers: ClinVar variation 3775042 (VCV003775042.1).

ClinVar aggregate classification (germline): Pathogenic (3 of 4 stars; one submission).

Conditions:
Mucopolysaccharidosis type 1. Also called: IDUA deficiency; MPS I. Identifiers: Orphanet 579, MedGen C0023786, MONDO:0001586.

Submission:

ClinGen Lysosomal Storage Disorder Variant Curation Expert Panel
Classification: Pathogenic for Mucopolysaccharidosis type 1. Last evaluated: 2024-12-05. Review status: reviewed by expert panel. Criteria: ClinGen LSD ACMG Specifications IDUA V1.0.0. Collection method: curation. Allele origin: germline. Inheritance: Autosomal recessive inheritance.
Comment: The NM_000203.5:c.385+1G>A variant in IDUA occurs within the canonical splice donor site of intron 3. It is predicted to cause skipping of biologically-relevant-exon 3 out of 14, resulting in a frameshift leading to nonsense mediated decay in a gene in which loss-of-function is an established disease mechanism (PVS1). One patient with a diagnosis of MPSI has been reported to be compound heterozygous, phase unconfirmed, for the variant and another variant in IDUA that has been classified as pathogenic by the ClinGen LD VCEP, c.1205G>A (p.Trp402Ter) (ClinVar Variation ID: 11908) (PMID: 21394825) (0.5 points), and another patient has been reported to be homozygous for the variant (PMID: 38425718) (0.5 points). Total 1 point (PM3). While the details provided for these patients are consistent with a diagnosis of MPS I there is insufficient evidence to apply PP4. The variant is absent in gnomAD v4.1.0. Another variant at the same position, c.385+1G>C (ClinVar Variation ID: 551966), has been classified as pathogenic by the ClinGen LD VCEP (PS1_Supporting, PMID: 37352859). In summary, this variant meets the criteria to be classified as pathogenic for mucopolysaccharidosis type I. IDUA-specific ACMG/AMP criteria applied, as specified by the ClinGen Lysosomal Diseases Variant Curation Expert Panel: PVS1, PM3, PS1_Supporting, PM2_Supporting. (Classification approved by the ClinGen Lysosomal Diseases Variant Curation Expert Panel on December 5, 2024)